The following is an entry in ClinVar:

NM_021008.4(DEAF1):c.62C>G (p.Ala21Gly)

Gene: DEAF1 (DEAF1 transcription factor; minus strand). Cytogenetic location: 11p15.5.
Variant type: single nucleotide variant.
Coding change: c.62C>G on transcript NM_021008.4 (MANE Select); coding-DNA position 62, C replaced by G.
Protein change: p.Ala21Gly; replaces alanine 21 with glycine.
Molecular consequence: missense variant. On other transcripts: 5 prime UTR variant (3), intron variant (1).
Genome position (GRCh38, 1-based): chr11:694,986, G>C on the plus strand (C>G on the coding strand, the complement: DEAF1 is on the minus strand). VCF-style: chr11-694986-G-C. GRCh37 (hg19) VCF-style: chr11-694986-G-C.
Other names: c.62C>G, p.Ala21Gly (NM_001293634.2, NM_001440883.1, NM_001440884.1); c.-535C>G (NM_001440885.1); c.-1935C>G (NM_001440886.1); c.-745C>G (NM_001440887.1); c.-437-3388C>G (NM_001367390.1); short protein forms A21G.
Identifiers: ClinVar variation 4718295 (VCV004718295.1).
Genomic context (GRCh38, chr11:694,986, plus strand): 5'-ACCGGCTCCTCCGCCTCGCCTCCTGCCGCGGCCGCGGCCGCCGCCGCCACAGCGGCCGCG[G>C]CCGCCACCGCCGCCGCCTCAGCCAGGCCCAGCTGCTTTGCCGCCGAGTCCGAGTCCTCCA-3'
Protein context (NP_066288.2, residues 11-31): LGLAEAAAVA[Ala21Gly]AAAVAAAAAA

ClinVar aggregate classification (germline): Uncertain significance (1 of 4 stars; one submission).

Submission:

Labcorp Genetics (formerly Invitae), Labcorp
Classification: Uncertain significance. Last evaluated: 2025-09-02. Review status: criteria provided, single submitter. Criteria: Invitae Variant Classification Sherloc (09022015). Collection method: clinical testing. Allele origin: germline.
Comment: This sequence change replaces alanine, which is neutral and non-polar, with glycine, which is neutral and non-polar, at codon 21 of the DEAF1 protein (p.Ala21Gly). This variant is not present in population databases (gnomAD no frequency). This variant has not been reported in the literature in individuals affected with DEAF1-related conditions. Invitae Evidence Modeling of protein sequence and biophysical properties (such as structural, functional, and spatial information, amino acid conservation, physicochemical variation, residue mobility, and thermodynamic stability) has been performed for this missense variant. However, the output from this modeling did not meet the statistical confidence thresholds required to predict the impact of this variant on DEAF1 protein function. In summary, the available evidence is currently insufficient to determine the role of this variant in disease. Therefore, it has been classified as a Variant of Uncertain Significance.